The following is an entry in ClinVar:

ClinVar aggregate classification (germline): Uncertain significance (1 of 4 stars; one submission).

Allele frequency attached by ClinVar (database versions not stated): TOPMed below 0.00001.

Submission:

Labcorp Genetics (formerly Invitae), Labcorp
Classification: Uncertain significance. Last evaluated: 2023-03-04. Review status: criteria provided, single submitter. Criteria: Invitae Variant Classification Sherloc (09022015). Collection method: clinical testing. Allele origin: germline.
Comment: In summary, the available evidence is currently insufficient to determine the role of this variant in disease. Therefore, it has been classified as a Variant of Uncertain Significance. Algorithms developed to predict the effect of missense changes on protein structure and function output the following: SIFT: "Not Available"; PolyPhen-2: "Benign"; Align-GVGD: "Not Available". The arginine amino acid residue is found in multiple mammalian species, which suggests that this missense change does not adversely affect protein function. This variant has not been reported in the literature in individuals affected with SPP2-related conditions. This variant is not present in population databases (gnomAD no frequency). This sequence change replaces glutamine, which is neutral and polar, with arginine, which is basic and polar, at codon 128 of the SPP2 protein (p.Gln128Arg).

NM_006944.3(SPP2):c.383A>G (p.Gln128Arg)

Gene: SPP2 (secreted phosphoprotein 2; plus strand). Cytogenetic location: 2q37.1.
Variant type: single nucleotide variant.
Coding change: c.383A>G on transcript NM_006944.3 (MANE Select); coding-DNA position 383, A replaced by G.
Protein change: p.Gln128Arg; replaces glutamine 128 with arginine.
Molecular consequence: missense variant.
Genome position (GRCh38, 1-based): chr2:234,060,418, A>G. VCF-style: chr2-234060418-A-G. GRCh37 (hg19) VCF-style: chr2-234969062-A-G.
Other names: short protein forms Q128R.
Identifiers: ClinVar variation 2832998 (VCV002832998.3), dbSNP rs1693695123, ClinGen allele CA351103231.